The following is an entry in ClinVar:

ClinVar aggregate classification (germline): Uncertain significance (1 of 4 stars; one submission).

Conditions:
Gastrointestinal stromal tumor. Also called: Gastrointestinal stromal tumor, somatic; Gastrointestinal stroma tumor. Identifiers: Orphanet 44890, MedGen C0238198, MeSH D046152, MONDO:0011719, OMIM 606764, HP:0100723.

Submission:

Labcorp Genetics (formerly Invitae), Labcorp
Classification: Uncertain significance for Gastrointestinal stromal tumor. Last evaluated: 2025-09-30. Review status: criteria provided, single submitter. Criteria: Invitae Variant Classification Sherloc (09022015). Collection method: clinical testing. Allele origin: germline.
Comment: This sequence change replaces proline, which is neutral and non-polar, with arginine, which is basic and polar, at codon 726 of the KIT protein (p.Pro726Arg). This variant is not present in population databases (gnomAD no frequency). This variant has not been reported in the literature in individuals affected with KIT-related conditions. ClinVar contains an entry for this variant (Variation ID: 2700248). An algorithm developed to predict the effect of missense changes on protein structure and function (PolyPhen-2) suggests that this variant is likely to be disruptive. In summary, the available evidence is currently insufficient to determine the role of this variant in disease. Therefore, it has been classified as a Variant of Uncertain Significance.

NM_000222.3(KIT):c.2177C>G (p.Pro726Arg)

Gene: KIT (KIT proto-oncogene, receptor tyrosine kinase; plus strand). Cytogenetic location: 4q12.
Variant type: single nucleotide variant.
Coding change: c.2177C>G on transcript NM_000222.3 (MANE Select); coding-DNA position 2177, C replaced by G.
Protein change: p.Pro726Arg; replaces proline 726 with arginine.
Molecular consequence: missense variant.
Genome position (GRCh38, 1-based): chr4:54,731,363, C>G. VCF-style: chr4-54731363-C-G. GRCh37 (hg19) VCF-style: chr4-55597529-C-G.
Other names: c.2165C>G, p.Pro722Arg (NM_001093772.2, NM_001385292.1); c.2180C>G, p.Pro727Arg (NM_001385284.1); c.2174C>G, p.Pro725Arg (NM_001385285.1); c.2162C>G, p.Pro721Arg (NM_001385286.1); c.2168C>G, p.Pro723Arg (NM_001385288.1); c.2177C>G, p.Pro726Arg (NM_001385290.1); short protein forms P722R, P727R, P723R, P726R, P721R, P725R.
Identifiers: ClinVar variation 2700248 (VCV002700248.3), dbSNP rs1200521882, ClinGen allele CA356910237.